The following is an entry in ClinVar:

ClinVar aggregate classification (germline): Uncertain significance (1 of 4 stars; one submission).

gnomAD v4.1: 2 of 1,614,034 alleles (0.00012%); highest among the groups gnomAD compares: South Asian, 0.0011%; no homozygotes.

Submission:

GeneDx
Classification: Uncertain significance. Last evaluated: 2025-07-01. Review status: criteria provided, single submitter. Criteria: GeneDx Variant Classification Process June 2021. Collection method: clinical testing. Allele origin: germline. Affected: yes.
Comment: In silico analysis supports that this missense variant has a deleterious effect on protein structure/function; Has not been previously published as pathogenic or benign to our knowledge

NM_001366145.2(TRPM3):c.475T>A (p.Ser159Thr)

Gene: TRPM3 (transient receptor potential cation channel subfamily M member 3; minus strand). Cytogenetic location: 9q21.12.
Variant type: single nucleotide variant.
Coding change: c.475T>A on transcript NM_001366145.2 (MANE Select); coding-DNA position 475, T replaced by A.
Protein change: p.Ser159Thr; replaces serine 159 with threonine.
Molecular consequence: missense variant.
Genome position (GRCh38, 1-based): chr9:70,846,579, A>T on the plus strand (T>A on the coding strand, the complement: TRPM3 is on the minus strand). VCF-style: chr9-70846579-A-T. GRCh37 (hg19) VCF-style: chr9-73461495-A-T.
Other names: c.16T>A, p.Ser6Thr (NM_001007470.3, NM_001366154.2, NM_020952.6 and 6 more transcripts); c.475T>A, p.Ser159Thr (NM_001007471.4, NM_001366146.2, NM_001366147.2 and 6 more transcripts); c.481T>A, p.Ser161Thr (NM_001366141.2, NM_001366142.2, NM_001366143.2 and 1 more transcripts); short protein forms S159T, S161T, S6T.
Identifiers: ClinVar variation 3372480 (VCV003372480.3).